The following is an entry in ClinVar:

NM_000755.5(CRAT):c.613G>A (p.Val205Met)

Gene: CRAT (carnitine O-acetyltransferase; minus strand). Cytogenetic location: 9q34.11.
Variant type: single nucleotide variant.
Coding change: c.613G>A on transcript NM_000755.5 (MANE Select); coding-DNA position 613, G replaced by A.
Protein change: p.Val205Met; replaces valine 205 with methionine.
Molecular consequence: missense variant.
Genome position (GRCh38, 1-based): chr9:129,102,417, C>T on the plus strand (G>A on the coding strand, the complement: CRAT is on the minus strand). VCF-style: chr9-129102417-C-T. GRCh37 (hg19) VCF-style: chr9-131864696-C-T.
Other names: c.550G>A, p.Val184Met (NM_001257363.3, NM_001346548.2, NM_004003.4); c.616G>A, p.Val206Met (NM_001346546.2); c.613G>A, p.Val205Met (NM_001346547.2); c.493G>A, p.Val165Met (NM_001346549.2); c.613G>A (NM_000755.3); short protein forms V206M, V165M, V205M, V184M.
Identifiers: ClinVar variation 1433492 (VCV001433492.8), dbSNP rs199855222, ClinGen allele CA5275694.
Genomic context (GRCh38, chr9:129,102,417, plus strand): 5'-GCAGCAGGGCCGGGGCTTGTAGGTGTGGGTGGGGGCCACCCACCTGGTAGTTGTGTACCA[C>T]GGTGATGTGCGTGGGAGGCTTCTTGGTCTTGCTGAAGTTGCTGACTGTGTCCTGCTTGGG-3'
Protein context (NP_000746.3, residues 195-215): KTKKPPTHIT[Val205Met]VHNYQFFELD

ClinVar aggregate classification (germline): Uncertain significance. Review status: criteria provided, multiple submitters, no conflicts (2 of 4 stars). 2 submissions from 2 submitters: Uncertain significance (2). Last evaluated 2025-06-17.

Allele frequency attached by ClinVar (database versions not stated): gnomAD exomes 0.00002 and 0.00006; ExAC 0.00007; gnomAD 0.00015 and 0.00016; TOPMed 0.00023; ESP Exome Variant Server 0.00038; 1000 Genomes Project 0.00040; 1000 Genomes Project 30x 0.00047.

Submissions (2):

Labcorp Genetics (formerly Invitae), Labcorp
Classification: Uncertain significance. Last evaluated: 2025-06-17. Review status: criteria provided, single submitter. Criteria: Invitae Variant Classification Sherloc (09022015). Collection method: clinical testing. Allele origin: germline.
Comment: This sequence change replaces valine, which is neutral and non-polar, with methionine, which is neutral and non-polar, at codon 205 of the CRAT protein (p.Val205Met). This variant is present in population databases (rs199855222, gnomAD 0.04%). This variant has not been reported in the literature in individuals affected with CRAT-related conditions. ClinVar contains an entry for this variant (Variation ID: 1433492). Invitae Evidence Modeling of protein sequence and biophysical properties (such as structural, functional, and spatial information, amino acid conservation, physicochemical variation, residue mobility, and thermodynamic stability) indicates that this missense variant is expected to disrupt CRAT protein function with a positive predictive value of 80%. In summary, the available evidence is currently insufficient to determine the role of this variant in disease. Therefore, it has been classified as a Variant of Uncertain Significance.

Ambry Genetics
Classification: Uncertain significance. Last evaluated: 2025-03-28. Review status: criteria provided, single submitter. Criteria: Ambry Variant Classification Scheme 2023. Collection method: clinical testing. Allele origin: germline.